The following is an entry in ClinVar:

ClinVar aggregate classification (germline): Likely benign. Review status: criteria provided, multiple submitters, no conflicts (2 of 4 stars). 6 submissions from 6 submitters: Likely benign (4). 2 of the submissions do not count toward it. Last evaluated 2026-01-27.

Allele frequency attached by ClinVar (database versions not stated): 1000 Genomes Project 30x 0.00016; 1000 Genomes Project 0.00020; ESP Exome Variant Server 0.00131; TOPMed 0.00138.
gnomAD v4.1: 3,089 of 1,612,854 alleles (0.19%); highest among the groups gnomAD compares: Non-Finnish European, 0.25%; 2 homozygotes.

Submissions (6):

Labcorp Genetics (formerly Invitae), Labcorp
Classification: Likely benign. Last evaluated: 2026-01-27. Review status: criteria provided, single submitter. Criteria: Invitae Variant Classification Sherloc (09022015). Collection method: clinical testing. Allele origin: germline.

CeGaT Center for Human Genetics Tuebingen
Classification: Likely benign. Last evaluated: 2025-12-01. Review status: criteria provided, single submitter. Criteria: CeGaT Center For Human Genetics Tuebingen Variant Classification Criteria Version 2. Collection method: clinical testing. Allele origin: germline. Affected: yes. Observed: 1 variant allele.
Comment: RBP3: BP4, BP7

Blueprint Genetics
Classification: Likely benign. Last evaluated: 2024-11-05. Review status: criteria provided, single submitter. Criteria: ACMG Guidelines, 2015. Collection method: clinical testing. Allele origin: germline.

Eurofins Ntd Llc (ga)
Classification: Likely benign. Last evaluated: 2015-12-03. Review status: criteria provided, single submitter. Criteria: EGL Classification Definitions 2015. Collection method: clinical testing. Allele origin: germline. Observed: 1 variant allele, 1 heterozygote.

Clinical Genetics DNA and cytogenetics Diagnostics Lab, Erasmus MC, Erasmus Medical Center
Classification: Benign. Review status: no assertion criteria provided. Collection method: clinical testing. Allele origin: germline. Affected: yes. Study: VKGL Data-share Consensus. Not counted in ClinVar's aggregate classification.

Clinical Genetics, Academic Medical Center
Classification: Benign. Review status: no assertion criteria provided. Collection method: clinical testing. Allele origin: germline. Affected: yes. Study: VKGL Data-share Consensus. Not counted in ClinVar's aggregate classification.

NM_002900.3(RBP3):c.816C>A (p.Gly272=)

Gene: RBP3 (retinol binding protein 3; plus strand). Cytogenetic location: 10q11.22.
Variant type: single nucleotide variant.
Coding change: c.816C>A on transcript NM_002900.3 (MANE Select); coding-DNA position 816, C replaced by A.
Protein change: p.Gly272=; no amino-acid change (glycine 272 retained).
Molecular consequence: synonymous variant.
Genome position (GRCh38, 1-based): chr10:47,349,300, C>A. VCF-style: chr10-47349300-C-A. GRCh37 (hg19) VCF-style: chr10-48390062-G-T.
Identifiers: ClinVar variation 284408 (VCV000284408.23), dbSNP rs148432607, ClinGen allele CA5487685.